The following is an entry in ClinVar:

ClinVar aggregate classification (germline): Likely pathogenic (1 of 4 stars; one submission).

Conditions:
Megalencephalic leukoencephalopathy with subcortical cysts 1 (MLC1). Also called: LEUKOENCEPHALOPATHY WITH SWELLING AND CYSTS; VACUOLATING MEGALENCEPHALIC LEUKOENCEPHALOPATHY WITH SUBCORTICAL CYSTS. Identifiers: Orphanet 2478, MedGen C5779875, MONDO:0024555, OMIM 604004.

Submission:

Myriad Genetics, Inc.
Classification: Likely pathogenic for Megalencephalic leukoencephalopathy with subcortical cysts 1. Last evaluated: 2022-02-19. Review status: criteria provided, single submitter. Criteria: Myriad Women's Health Autosomal Recessive and X-Linked Classification Criteria (2021). Collection method: clinical testing. Allele origin: unknown.
Comment: NM_015166.3(MLC1):c.683_684ins10(S229Ifs*3) is expected to be pathogenic in the context of megalencephalic leukoencephalopathy with subcortical cysts. This variant is predicted to lead to an abnormal or absent protein product due to the creation of a premature termination codon in MLC1, a gene where loss-of-function variants are known to be pathogenic. Please note: this variant was assessed in the context of healthy population screening.

NM_015166.4(MLC1):c.683_684insAATACTTTGA (p.Leu228_Ser229insIleLeuTer)

Gene: MLC1 (modulator of VRAC current 1; minus strand). Cytogenetic location: 22q13.33.
Variant type: Insertion.
Coding change: c.683_684insAATACTTTGA on transcript NM_015166.4 (MANE Select); coding-DNA positions 683 to 684, AATACTTTGA inserted.
Protein change: p.Leu228_Ser229insIleLeuTer.
Molecular consequence: nonsense, inframe insertion. On other transcripts: non-coding transcript variant (3).
Genome position: GRCh38 VCF-style: chr22-50074246-G-GTCAAAGTATT. GRCh37 (hg19) VCF-style: chr22-50512675-G-GTCAAAGTATT.
Other names: c.683_684insAATACTTTGA, p.Leu228_Ser229insIleLeuTer (NM_001376472.1, NM_001376473.1, NM_001376474.1 and 6 more transcripts); c.593_594insAATACTTTGA, p.Leu198_Ser199insIleLeuTer (NM_001376480.1); c.581_582insAATACTTTGA, p.Leu194_Ser195insIleLeuTer (NM_001376481.1); c.527_528insAATACTTTGA, p.Leu176_Ser177insIleLeuTer (NM_001376482.1, NM_001376483.1); c.446_447insAATACTTTGA, p.Leu149_Ser150insIleLeuTer (NM_001376484.1).
Identifiers: ClinVar variation 1724525 (VCV001724525.2), dbSNP rs2518295645, ClinGen allele CA2580099912.